The following is an entry in ClinVar:

ClinVar aggregate classification (germline): Uncertain significance (1 of 4 stars; one submission).

Conditions:
Autosomal dominant nocturnal frontal lobe epilepsy 5. Also called: CILIARY DYSKINESIA, PRIMARY, 28, WITHOUT SITUS INVERSUS; CILIARY DYSKINESIA, PRIMARY, 28, WITH SITUS INVERSUS; Epilepsy, nocturnal frontal lobe, 5; KCNT1-Related Epilepsy. Identifiers: Orphanet 98784, MedGen C3554306, MONDO:0014002, OMIM 615005.
Developmental and epileptic encephalopathy, 14 (DEE14). Also called: Early infantile epileptic encephalopathy 14. Identifiers: Orphanet 293181, MedGen C3554195, MONDO:0013989, OMIM 614959.

Allele frequency attached by ClinVar (database versions not stated): gnomAD exomes below 0.00001.
gnomAD v4.1: 1 of 1,530,458 alleles (0.000065%); highest among the groups gnomAD compares: Non-Finnish European, 0.000088%; no homozygotes.

Submission:

Labcorp Genetics (formerly Invitae), Labcorp
Classification: Uncertain significance for Autosomal dominant nocturnal frontal lobe epilepsy 5; Developmental and epileptic encephalopathy, 14. Last evaluated: 2022-08-16. Review status: criteria provided, single submitter. Criteria: Invitae Variant Classification Sherloc (09022015). Collection method: clinical testing. Allele origin: germline.
Comment: This variant is not present in population databases (gnomAD no frequency). This sequence change replaces proline, which is neutral and non-polar, with serine, which is neutral and polar, at codon 738 of the KCNT1 protein (p.Pro738Ser). This variant has not been reported in the literature in individuals affected with KCNT1-related conditions. In summary, the available evidence is currently insufficient to determine the role of this variant in disease. Therefore, it has been classified as a Variant of Uncertain Significance. Advanced modeling of protein sequence and biophysical properties (such as structural, functional, and spatial information, amino acid conservation, physicochemical variation, residue mobility, and thermodynamic stability) performed at Invitae indicates that this missense variant is not expected to disrupt KCNT1 protein function.

NM_020822.3(KCNT1):c.2212C>T (p.Pro738Ser)

Gene: KCNT1 (potassium sodium-activated channel subfamily T member 1; plus strand). Cytogenetic location: 9q34.3.
Variant type: single nucleotide variant.
Coding change: c.2212C>T on transcript NM_020822.3 (MANE Select); coding-DNA position 2212, C replaced by T.
Protein change: p.Pro738Ser; replaces proline 738 with serine.
Molecular consequence: missense variant.
Genome position (GRCh38, 1-based): chr9:135,772,918, C>T. VCF-style: chr9-135772918-C-T. GRCh37 (hg19) VCF-style: chr9-138664764-C-T.
Other names: c.2077C>T, p.Pro693Ser (NM_001272003.2); short protein forms P693S, P738S.
Identifiers: ClinVar variation 2093658 (VCV002093658.4), dbSNP rs2490989630, ClinGen allele CA375511147.
Genomic context (GRCh38, chr9:135,772,918, plus strand): 5'-GACAGCTCAGCCCTGCTGCCCTGCGACCTGCTGAGCGACCAGTCGGAGGATGAGGTGACG[C>T]CGTCGGACGACGAGGGGCTCTCCGTGGTAGAGTGAGTGCTGCCTTGGAGACGGCTCCCAG-3'
Protein context (NP_065873.2, residues 728-748): LSDQSEDEVT[Pro738Ser]SDDEGLSVVE